The following is an entry in ClinVar:

NM_001267550.2(TTN):c.87664dup (p.Asp29222fs)

Genes: TTN (titin; minus strand), TTN-AS1 (TTN antisense RNA 1; plus strand). Cytogenetic location: 2q31.2.
Variant type: Duplication.
Coding change: c.87664dup on transcript NM_001267550.2 (MANE Select); coding-DNA position 87664, one base duplicated (G; older notation c.87664dupG).
Protein change: p.Asp29222fs; shifts the reading frame from aspartic acid 29222.
Molecular consequence: frameshift variant.
Genome position (GRCh38, 1-based): chr2:178,557,690, C duplicated on the plus strand (G on the coding strand, the reverse complement: TTN is on the minus strand). VCF-style (leftmost placement, unchanged base first): chr2-178557689-T-TC. GRCh37 (hg19) VCF-style: chr2-179422416-T-TC.
Other names: c.82741dup, p.Asp27581fs (NM_001256850.1); c.60469dup, p.Asp20157fs (NM_003319.4); c.79960dup, p.Asp26654fs (NM_133378.4); c.60844dup, p.Asp20282fs (NM_133432.3); c.61045dup, p.Asp20349fs (NM_133437.4); short protein forms D20282fs, D20349fs, D20157fs, D27581fs, D29222fs, D26654fs.
Identifiers: ClinVar variation 1520035 (VCV001520035.8), dbSNP rs2154155844, ClinGen allele CA2573134136.
Genomic context (GRCh38, chr2:178,557,689, plus strand): 5'-GAAAAGTTGGACAACTTACTGTATGGTAGTTTGACAGTCACACAAGCTGAATCTATATGA[T>TC]CACTGATGCCAAAGCGGTTTTCTGCCTTGATGCGGAATTGGTATTCTTCTCCTGTGGTCA-3'

ClinVar aggregate classification (germline): Likely pathogenic (1 of 4 stars; one submission).

Conditions:
Dilated cardiomyopathy 1G (CMD1G). Identifiers: Orphanet 154, MedGen C1858763, MONDO:0011400, OMIM 604145.
Autosomal recessive limb-girdle muscular dystrophy type 2J (LGMDR10). Also called: Limb-girdle muscular dystrophy, type 2J; MUSCULAR DYSTROPHY, LIMB-GIRDLE, AUTOSOMAL RECESSIVE 10. Identifiers: Orphanet 140922, MedGen C1837342, MONDO:0012127, OMIM 608807.

Submission:

Labcorp Genetics (formerly Invitae), Labcorp
Classification: Likely pathogenic for Dilated cardiomyopathy 1G; Autosomal recessive limb-girdle muscular dystrophy type 2J. Last evaluated: 2020-12-31. Review status: criteria provided, single submitter. Criteria: Invitae Variant Classification Sherloc (09022015). Collection method: clinical testing. Allele origin: germline.
Comment: In summary, the currently available evidence indicates that the variant is pathogenic, but additional data are needed to prove that conclusively. Therefore, this variant has been classified as Likely Pathogenic. This variant is located in the A band of TTN (PMID: 25589632). Truncating variants in this region are significantly overrepresented in patients affected with dilated cardiomyopathy (PMID: 25589632). Truncating variants in this region have also been reported in individuals affected with autosomal recessive centronuclear myopathy (PMID: 23975875). This variant has not been reported in the literature in individuals with TTN-related conditions. This variant is not present in population databases (ExAC no frequency). This sequence change creates a premature translational stop signal (p.Asp29222Glyfs*27) in the TTN gene. While this is not anticipated to result in nonsense mediated decay, it is expected to create a truncated TTN protein.

Literature cited by the submitters: PubMed 25589632; PubMed 23975875.